The following is an entry in ClinVar:

ClinVar aggregate classification (germline): Likely pathogenic. Review status: reviewed by expert panel (3 of 4 stars). 4 submissions from 3 submitters: Likely pathogenic (1). 3 of the submissions do not count toward it. Last evaluated 2025-11-19.

Conditions:
CYP1B1-related glaucoma with or without anterior segment dysgenesis. Identifiers: MedGen CN375931, MONDO:0800472.
Congenital glaucoma. Identifiers: MedGen C0020302, MONDO:0020366.
Anterior segment dysgenesis 6 (ASGD6). Also called: Anterior segment dysgenesis 6, multiple subtypes. Identifiers: MedGen C4310623, MONDO:0015016, OMIM 617315.
Glaucoma 3A. Also called: Glaucoma 3, primary congenital, A. Identifiers: Orphanet 98976, Orphanet 98977, MedGen C1856439, MONDO:0009277, OMIM 231300.

Submissions (4):

ClinGen Glaucoma Variant Curation Expert Panel
Classification: Likely pathogenic for CYP1B1-related glaucoma with or without anterior segment dysgenesis. Last evaluated: 2025-11-19. Review status: reviewed by expert panel. Criteria: ClinGen CYP1B1 ACMG Specifications V1 Approved. Collection method: curation. Allele origin: germline. Inheritance: Autosomal recessive inheritance.
Comment: The c.349C>T variant in CYP1B1 is a missense variant predicted to cause substitution of Arginine by Tryptophan at amino acid 117 (p.Arg117Trp). This variant was not found in any genetic ancestry group of gnomAD (v4.1.0), meeting the ≤ 0.0005 threshold set for PM2_Supporting in a genetic ancestry group of at least 2,000 alleles. The REVEL score = 0.726, which was within the 0.644-0.772 range for PP3, predicting a damaging effect on CYP1B1 function. PS3_Supporting was not applied as the assays reported did not meet the OddsPath threshold (> 2.1) (PMID: 27243976, 17893647) or the threshold for abnormal impact on protein function in the assay could not be determined (PMID: 27243976). 3 affected segregations with a CYP1B1-related phenotype have been reported (PMID: 17893647), which fulfilled PP1_Strong. This variant has been identified in an individual with a CYP1B1-related phenotype. This individual is compound heterozygous for the variant and a pathogenic or likely pathogenic variant (confirmed in trans) (PMID: 17893647). Total proband points = 1, meeting PM3. Another missense variant (p.Arg117Gln, Grantham score = 43, ClinVar ID: 2500809) in the same codon has been classified as likely pathogenic for a CYP1B1-related phenotype by the ClinGen Glaucoma VCEP. CYP1B1:p.Arg117Trp has a higher Grantham score (= 101) than the previously classified amino acid change, was not predicted to affect splicing as assessed with SpliceAI (≤ 0.2), and met PP3, meeting the conditions for PM5_Supporting to apply. In summary, this variant met the criteria to receive a score of 9 and to be classified as likely pathogenic (likely pathogenic classification range 6 to 9, adapted from PMID: 32720330) for CYP1B1-related glaucoma with or without anterior segment dysgenesis (ASD) based on the ACMG/AMP criteria met, as specified by the ClinGen Glaucoma VCEP (v1.0, 06.11.2025): PP1_Strong, PM3, PM5_Supporting, PP3, PM2_Supporting

Labcorp Genetics (formerly Invitae), Labcorp
Classification: Pathogenic for Congenital glaucoma. Last evaluated: 2025-11-08. Review status: criteria provided, single submitter. Criteria: Invitae Variant Classification Sherloc (09022015). Collection method: clinical testing. Allele origin: germline. Not counted in ClinVar's aggregate classification.
Comment: This sequence change replaces arginine, which is basic and polar, with tryptophan, which is neutral and slightly polar, at codon 117 of the CYP1B1 protein (p.Arg117Trp). This variant is not present in population databases (gnomAD no frequency). This missense change has been observed in individual(s) with primary congenital glaucoma (PMID: 17893647). In at least one individual the data is consistent with being in trans (on the opposite chromosome) from a pathogenic variant. It has also been observed to segregate with disease in related individuals. ClinVar contains an entry for this variant (Variation ID: 813356). Invitae Evidence Modeling of protein sequence and biophysical properties (such as structural, functional, and spatial information, amino acid conservation, physicochemical variation, residue mobility, and thermodynamic stability) has been performed for this missense variant. However, the output from this modeling did not meet the statistical confidence thresholds required to predict the impact of this variant on CYP1B1 protein function. For these reasons, this variant has been classified as Pathogenic.

Baylor Genetics
Classification: Likely pathogenic for Anterior segment dysgenesis 6. Last evaluated: 2022-04-30. Review status: criteria provided, single submitter. Criteria: ACMG Guidelines, 2015. Collection method: clinical testing. Allele origin: unknown. Not counted in ClinVar's aggregate classification.

Baylor Genetics
Classification: Likely pathogenic for Glaucoma 3A. Review status: criteria provided, single submitter. Criteria: ACMG Guidelines, 2015. Collection method: clinical testing. Allele origin: germline. Not counted in ClinVar's aggregate classification.

Literature cited by the submitters: PubMed 17893647 (cited by Labcorp Genetics (formerly Invitae), Labcorp).

NM_000104.4(CYP1B1):c.349C>T (p.Arg117Trp)

Gene: CYP1B1 (cytochrome P450 family 1 subfamily B member 1; minus strand). Cytogenetic location: 2p22.2.
Variant type: single nucleotide variant.
Coding change: c.349C>T on transcript NM_000104.4 (MANE Select); coding-DNA position 349, C replaced by T.
Protein change: p.Arg117Trp; replaces arginine 117 with tryptophan.
Molecular consequence: missense variant.
Genome position (GRCh38, 1-based): chr2:38,075,040, G>A on the plus strand (C>T on the coding strand, the complement: CYP1B1 is on the minus strand). VCF-style: chr2-38075040-G-A. GRCh37 (hg19) VCF-style: chr2-38302183-G-A.
Other names: NM_000104.4(CYP1B1):c.349C>T; p.Arg117Trp; short protein forms R117W.
Identifiers: ClinVar variation 813356 (VCV000813356.3), dbSNP rs944452644, ClinGen allele CA346329435.